The following is an entry in ClinVar:

ClinVar aggregate classification (germline): Uncertain significance. Review status: criteria provided, multiple submitters, no conflicts (2 of 4 stars). 2 submissions from 2 submitters: Uncertain significance (2). Last evaluated 2025-11-10.

Conditions:
Developmental and epileptic encephalopathy, 23 (DEE23). Also called: Epileptic encephalopathy, early infantile, 23. Identifiers: Orphanet 411986, MedGen C4014492, MONDO:0014371, OMIM 615859.
Inborn genetic diseases. Identifiers: MedGen C0950123, MeSH D030342.

Allele frequency attached by ClinVar (database versions not stated): gnomAD exomes below 0.00001 and 0.00001; gnomAD 0.00001; TOPMed 0.00005.
gnomAD v4.1: 4 of 1,613,726 alleles (0.00025%); highest among the groups gnomAD compares: Admixed American, 0.0017%; no homozygotes.

Submissions (2):

Labcorp Genetics (formerly Invitae), Labcorp
Classification: Uncertain significance for Developmental and epileptic encephalopathy, 23. Last evaluated: 2025-11-10. Review status: criteria provided, single submitter. Criteria: Invitae Variant Classification Sherloc (09022015). Collection method: clinical testing. Allele origin: germline.
Comment: This sequence change replaces serine, which is neutral and polar, with glycine, which is neutral and non-polar, at codon 1073 of the DOCK7 protein (p.Ser1073Gly). The frequency data for this variant in the population databases is considered unreliable, as metrics indicate poor data quality at this position in the gnomAD database. This variant has not been reported in the literature in individuals affected with DOCK7-related conditions. ClinVar contains an entry for this variant (Variation ID: 965761). Invitae Evidence Modeling of protein sequence and biophysical properties (such as structural, functional, and spatial information, amino acid conservation, physicochemical variation, residue mobility, and thermodynamic stability) indicates that this missense variant is expected to disrupt DOCK7 protein function with a positive predictive value of 80%. In summary, the available evidence is currently insufficient to determine the role of this variant in disease. Therefore, it has been classified as a Variant of Uncertain Significance.

Ambry Genetics
Classification: Uncertain significance for Inborn genetic diseases. Last evaluated: 2023-11-14. Review status: criteria provided, single submitter. Criteria: Ambry Variant Classification Scheme 2023. Collection method: clinical testing. Allele origin: germline.

NM_001367561.1(DOCK7):c.3217A>G (p.Ser1073Gly)

Gene: DOCK7 (dedicator of cytokinesis 7; minus strand). Cytogenetic location: 1p31.3.
Variant type: single nucleotide variant.
Coding change: c.3217A>G on transcript NM_001367561.1 (MANE Select); coding-DNA position 3217, A replaced by G.
Protein change: p.Ser1073Gly; replaces serine 1073 with glycine.
Molecular consequence: missense variant.
Genome position (GRCh38, 1-based): chr1:62,539,628, T>C on the plus strand (A>G on the coding strand, the complement: DOCK7 is on the minus strand). VCF-style: chr1-62539628-T-C. GRCh37 (hg19) VCF-style: chr1-63005299-T-C.
Other names: c.3217A>G, p.Ser1073Gly (NM_001271999.2, NM_001330614.2); c.3124A>G, p.Ser1042Gly (NM_001272000.2, NM_001272001.2, NM_033407.4); c.3124A>G (NM_033407.2); short protein forms S1042G, S1073G.
Identifiers: ClinVar variation 965761 (VCV000965761.10), dbSNP rs1427662590, ClinGen allele CA340608895.